The following is an entry in ClinVar:

ClinVar aggregate classification (germline): Pathogenic (1 of 4 stars; one submission).

Conditions:
Autosomal dominant intellectual disability-craniofacial anomalies-cardiac defects syndrome (ARTHS). Also called: KAT6A syndrome; Mental retardation, autosomal dominant 32; Arboleda-Tham syndrome. Identifiers: Orphanet 457193, MedGen C4225396, MONDO:0014558, OMIM 616268.

Submission:

Illumina Laboratory Services, Illumina
Classification: Pathogenic for Autosomal dominant intellectual disability-craniofacial anomalies-cardiac defects syndrome. Last evaluated: 2021-08-05. Review status: criteria provided, single submitter. Criteria: ICSLVariantClassificationCriteria RUGD 01 April 2020. Collection method: clinical testing. Allele origin: unknown.
Comment: The KAT6A c.4980delG p.(Gln1660HisfsTer48) causes a shift in the protein reading frame that is predicted to result in premature termination of the protein. This variant occurs in the last exon of the gene and the resulting transcript may escape nonsense-mediated mRNA decay (Kennedy et al. 2018). To our knowledge, this variant has not been reported in the peer-reviewed literature. This variant is not observed in version 2.1.1 or version 3.1.2 of the Genome Aggregation Database. This variant is predicted to disrupt the C-terminal serine/methionine rich domain of the protein, which is known to interact with several transcription factors including Runx2 (Wiesel-Motiuk et al. 2020). Based on the collective evidence, the c.4980delG p.(Gln1660HisfsTer48) variant it is classified as pathogenic for KAT6A syndrome.

NM_006766.5(KAT6A):c.4980del (p.Gln1660fs)

Gene: KAT6A (lysine acetyltransferase 6A; minus strand). Cytogenetic location: 8p11.21.
Variant type: Deletion.
Coding change: c.4980del on transcript NM_006766.5 (MANE Select); coding-DNA position 4980, one base deleted (G; older notation c.4980delG).
Protein change: p.Gln1660fs; shifts the reading frame from glutamine 1660.
Molecular consequence: frameshift variant.
Genome position (GRCh38, 1-based): chr8:41,933,240, C deleted on the plus strand (G on the coding strand, the reverse complement: KAT6A is on the minus strand). VCF-style (leftmost placement, unchanged base first): chr8-41933239-GC-G. GRCh37 (hg19) VCF-style: chr8-41790757-GC-G.
Other names: short protein forms Q1660fs.
Identifiers: ClinVar variation 3062049 (VCV003062049.1), dbSNP rs2486753105, ClinGen allele CA2740095014.